The following is an entry in ClinVar:

NM_001128228.3(TPRN):c.1760C>G (p.Thr587Ser)

Gene: TPRN (taperin; minus strand). Cytogenetic location: 9q34.3.
Variant type: single nucleotide variant.
Coding change: c.1760C>G on transcript NM_001128228.3 (MANE Select); coding-DNA position 1760, C replaced by G.
Protein change: p.Thr587Ser; replaces threonine 587 with serine.
Molecular consequence: missense variant.
Genome position (GRCh38, 1-based): chr9:137,192,657, G>C on the plus strand (C>G on the coding strand, the complement: TPRN is on the minus strand). VCF-style: chr9-137192657-G-C. GRCh37 (hg19) VCF-style: chr9-140087109-G-C.
Other names: c.1760C>G (NM_001128228.2); short protein forms T587S.
Identifiers: ClinVar variation 1373026 (VCV001373026.9), dbSNP rs1383071065, ClinGen allele CA375771354.

ClinVar aggregate classification (germline): Uncertain significance. Review status: criteria provided, multiple submitters, no conflicts (2 of 4 stars). 2 submissions from 2 submitters: Uncertain significance (2). Last evaluated 2025-08-11.

Allele frequency attached by ClinVar (database versions not stated): TOPMed below 0.00001.

Submissions (2):

GeneDx
Classification: Uncertain significance. Last evaluated: 2025-08-11. Review status: criteria provided, single submitter. Criteria: GeneDx Variant Classification Process June 2021. Collection method: clinical testing. Allele origin: germline. Affected: yes.
Comment: Not observed at significant frequency in large population cohorts (gnomAD); In silico analysis suggests that this missense variant does not alter protein structure/function; Has not been previously published as pathogenic or benign to our knowledge

Labcorp Genetics (formerly Invitae), Labcorp
Classification: Uncertain significance. Last evaluated: 2021-02-21. Review status: criteria provided, single submitter. Criteria: Invitae Variant Classification Sherloc (09022015). Collection method: clinical testing. Allele origin: germline.
Comment: In summary, the available evidence is currently insufficient to determine the role of this variant in disease. Therefore, it has been classified as a Variant of Uncertain Significance. Algorithms developed to predict the effect of missense changes on protein structure and function are either unavailable or do not agree on the potential impact of this missense change (SIFT: "Tolerated"; PolyPhen-2: "Probably Damaging"; Align-GVGD: "Class C0"). This variant has not been reported in the literature in individuals with TPRN-related conditions. This variant is not present in population databases (ExAC no frequency). This sequence change replaces threonine with serine at codon 587 of the TPRN protein (p.Thr587Ser). The threonine residue is highly conserved and there is a small physicochemical difference between threonine and serine.